The following is an entry in ClinVar:

ClinVar aggregate classification (germline): Uncertain significance (1 of 4 stars; one submission).

Conditions:
Catecholaminergic polymorphic ventricular tachycardia 1. Also called: VENTRICULAR TACHYCARDIA, CATECHOLAMINERGIC POLYMORPHIC, 1, WITH OR WITHOUT ATRIAL DYSFUNCTION AND/OR DILATED CARDIOMYOPATHY; VENTRICULAR TACHYCARDIA, STRESS-INDUCED POLYMORPHIC 1; RYR2-Related Catecholaminergic Polymorphic Ventricular Tachycardia. Identifiers: Orphanet 3286, MedGen C1631597, MONDO:0011484, OMIM 604772.

Submission:

Labcorp Genetics (formerly Invitae), Labcorp
Classification: Uncertain significance for Catecholaminergic polymorphic ventricular tachycardia 1. Last evaluated: 2022-03-09. Review status: criteria provided, single submitter. Criteria: Invitae Variant Classification Sherloc (09022015). Collection method: clinical testing. Allele origin: germline.
Comment: In summary, the available evidence is currently insufficient to determine the role of this variant in disease. Therefore, it has been classified as a Variant of Uncertain Significance. Advanced modeling of protein sequence and biophysical properties (such as structural, functional, and spatial information, amino acid conservation, physicochemical variation, residue mobility, and thermodynamic stability) performed at Invitae indicates that this missense variant is expected to disrupt RYR2 protein function. ClinVar contains an entry for this variant (Variation ID: 1040224). This variant has not been reported in the literature in individuals affected with RYR2-related conditions. This variant is not present in population databases (gnomAD no frequency). This sequence change replaces alanine, which is neutral and non-polar, with threonine, which is neutral and polar, at codon 2254 of the RYR2 protein (p.Ala2254Thr).

NM_001035.3(RYR2):c.6760G>A (p.Ala2254Thr)

Gene: RYR2 (ryanodine receptor 2; plus strand). Cytogenetic location: 1q43.
Variant type: single nucleotide variant.
Coding change: c.6760G>A on transcript NM_001035.3 (MANE Select); coding-DNA position 6760, G replaced by A.
Protein change: p.Ala2254Thr; replaces alanine 2254 with threonine.
Molecular consequence: missense variant.
Genome position (GRCh38, 1-based): chr1:237,634,960, G>A. VCF-style: chr1-237634960-G-A. GRCh37 (hg19) VCF-style: chr1-237798260-G-A.
Other names: short protein forms A2254T.
Identifiers: ClinVar variation 1040224 (VCV001040224.10), dbSNP rs1680726117, ClinGen allele CA345394787.